The following is an entry in ClinVar:

ClinVar aggregate classification (germline): Uncertain significance (1 of 4 stars; one submission).

Submission:

Mayo Clinic Laboratories, Mayo Clinic
Classification: Uncertain significance. Last evaluated: 2025-09-30. Review status: criteria provided, single submitter. Criteria: ACMG Guidelines, 2015. Collection method: clinical testing. Allele origin: germline. Observed: 1 variant allele.
Comment: BP4_moderate

NM_001005373.4(LRSAM1):c.433A>G (p.Thr145Ala)

Gene: LRSAM1 (leucine rich repeat and sterile alpha motif containing 1; plus strand). Cytogenetic location: 9q33.3.
Variant type: single nucleotide variant.
Coding change: c.433A>G on transcript NM_001005373.4 (MANE Select); coding-DNA position 433, A replaced by G.
Protein change: p.Thr145Ala; replaces threonine 145 with alanine.
Molecular consequence: missense variant. On other transcripts: 5 prime UTR variant (1), non-coding transcript variant (2).
Genome position (GRCh38, 1-based): chr9:127,462,278, A>G. VCF-style: chr9-127462278-A-G. GRCh37 (hg19) VCF-style: chr9-130224557-A-G.
Other names: p.Thr145Ala; c.-352A>G (NM_001384144.1); c.433A>G, p.Thr145Ala (NM_138361.5, NM_001005374.4, NM_001190723.3 and 2 more transcripts); short protein forms T145A.
Identifiers: ClinVar variation 4541473 (VCV004541473.1).